The following is an entry in ClinVar:

NM_138694.4(PKHD1):c.1964+1G>T

Gene: PKHD1 (PKHD1 ciliary IPT domain containing fibrocystin/polyductin; minus strand). Cytogenetic location: 6p12.2.
Variant type: single nucleotide variant.
Coding change: c.1964+1G>T on transcript NM_138694.4 (MANE Select); the canonical splice donor site of the intron after coding-DNA position 1964, G replaced by T.
Molecular consequence: splice donor variant.
Genome position (GRCh38, 1-based): chr6:52,054,037, C>A on the plus strand (G>T on the coding strand, the complement: PKHD1 is on the minus strand). VCF-style: chr6-52054037-C-A. GRCh37 (hg19) VCF-style: chr6-51918835-C-A.
Other names: c.1964+1G>T (NM_170724.3).
Identifiers: ClinVar variation 972469 (VCV000972469.22), dbSNP rs1385712943, ClinGen allele CA364422501.

ClinVar aggregate classification (germline): Pathogenic/Likely pathogenic. Review status: criteria provided, multiple submitters, no conflicts (2 of 4 stars). 6 submissions from 6 submitters: Pathogenic (4); Likely pathogenic (2). Last evaluated 2026-09-02.

Conditions:
Autosomal recessive polycystic kidney disease (ARPKD). Also called: AR polycystic kidney disease. Identifiers: Orphanet 731, Orphanet 8378, MedGen C0085548, MeSH D017044, MONDO:0009889.
Polycystic kidney disease 4 (PKD4). Also called: PKD3; POLYCYSTIC KIDNEY AND HEPATIC DISEASE 1; POLYCYSTIC KIDNEY DISEASE, INFANTILE, TYPE I; Autosomal Recessive Polycystic Kidney Disease – PKHD1; POLYCYSTIC KIDNEY DISEASE 4 WITH OR WITHOUT POLYCYSTIC LIVER DISEASE. Identifiers: MedGen C4540575, MONDO:0033004, OMIM 263200.

Allele frequency attached by ClinVar (database versions not stated): TOPMed below 0.00001; gnomAD 0.00001.
gnomAD v4.1: 3 of 1,613,730 alleles (0.00019%); highest among the groups gnomAD compares: Non-Finnish European, 0.00025%; no homozygotes.

Submissions (6):

GeneDx
Classification: Pathogenic. Last evaluated: 2026-09-02. Review status: criteria provided, single submitter. Criteria: GeneDx Variant Classification Process June 2021. Collection method: clinical testing. Allele origin: germline.
Comment: Canonical splice site variant predicted to result in a null allele in a gene for which loss of function is a known mechanism of disease; Not observed at significant frequency in large population cohorts (gnomAD); This variant is associated with the following publications: (PMID: 36065636)

Natera, Inc.
Classification: Pathogenic for Autosomal recessive polycystic kidney disease. Last evaluated: 2026-01-20. Review status: criteria provided, single submitter. Criteria: Natera Variant Classification Schema (03/2026). Collection method: clinical testing. Allele origin: germline.
Comment: The c.1964+1G>T variant in PKHD1 is a canonical splice donor site variant predicted to affect pre-mRNA splicing, which may result in an abnormal transcript and altered protein product. This variant is expected to result in nonsense mediated decay, truncation, or a dysfunctional protein product. This variant is rare in the general population with a frequency below the threshold expected for the associated phenotype(s). This variant has been observed in one or more individuals affected with the associated recessive disease, as either homozygous or compound heterozygous with a second variant (PMID: 36065636). Given the available evidence, this variant is classified as Pathogenic.

Fulgent Genetics
Classification: Likely pathogenic for Polycystic kidney disease 4. Last evaluated: 2024-06-10. Review status: criteria provided, single submitter. Criteria: ACMG Guidelines, 2015. Collection method: clinical testing. Allele origin: germline.

Labcorp Genetics (formerly Invitae), Labcorp
Classification: Pathogenic for Autosomal recessive polycystic kidney disease. Last evaluated: 2024-01-05. Review status: criteria provided, single submitter. Criteria: Invitae Variant Classification Sherloc (09022015). Collection method: clinical testing. Allele origin: germline.
Comment: This sequence change affects a donor splice site in intron 20 of the PKHD1 gene. It is expected to disrupt RNA splicing. Variants that disrupt the donor or acceptor splice site typically lead to a loss of protein function (PMID: 16199547), and loss-of-function variants in PKHD1 are known to be pathogenic (PMID: 19940839). This variant is not present in population databases (gnomAD no frequency). Disruption of this splice site has been observed in individual(s) with clinical features of polycystic kidney disease (PMID: 36065636; Invitae). In at least one individual the data is consistent with being in trans (on the opposite chromosome) from a pathogenic variant. ClinVar contains an entry for this variant (Variation ID: 972469). Algorithms developed to predict the effect of sequence changes on RNA splicing suggest that this variant may disrupt the consensus splice site. For these reasons, this variant has been classified as Pathogenic.

Women's Health and Genetics/Laboratory Corporation of America, LabCorp
Classification: Likely pathogenic for Autosomal recessive polycystic kidney disease. Last evaluated: 2024-01-04. Review status: criteria provided, single submitter. Criteria: LabCorp Variant Classification Summary - May 2015. Collection method: clinical testing. Allele origin: germline.
Comment: Variant summary: PKHD1 c.1964+1G>T is located in a canonical splice-site and is predicted to affect mRNA splicing resulting in a significantly altered protein due to either exon skipping, shortening, or inclusion of intronic material. Several computational tools predict a significant impact on normal splicing: Four predict the variant abolishes the canonical 5' splicing donor site. However, these predictions have yet to be confirmed by functional studies. The variant was absent in 250918 control chromosomes (gnomAD). c.1964+1G>T has been reported in the literature in the compound heterozygous state in an individual with clinical features of Polycystic Kidney And Hepatic Disease who also suffered recurrent vascular ischemic strokes (Kumar_2022). These data suggest the variant is likely associated with disease. To our knowledge, no experimental evidence demonstrating an impact on protein function has been reported. The following publication has been ascertained in the context of this evaluation (PMID: 36065636). Three submitters have cited clinical-significance assessments for this variant to ClinVar after 2014. All submitters classified the variant as pathogenic/likely pathogenic. Based on the evidence outlined above, the variant was classified as likely pathogenic.

Daryl Scott Lab, Baylor College of Medicine
Classification: Pathogenic for Polycystic kidney disease 4. Last evaluated: 2024-01-01. Review status: criteria provided, single submitter. Criteria: ACMG Guidelines, 2015. Collection method: clinical testing. Allele origin: paternal. Affected: yes. Observed: 1 heterozygote.
Comment: PVS1, PM2

Literature cited by the submitters: PubMed 36065636 (cited by 3 submitters); PubMed 16199547 (cited by Labcorp Genetics (formerly Invitae), Labcorp); PubMed 19940839 (cited by Labcorp Genetics (formerly Invitae), Labcorp).